The following is an entry in ClinVar:

ClinVar aggregate classification (germline): Pathogenic (1 of 4 stars; one submission).

Conditions:
Bardet-Biedl syndrome (BBS). Identifiers: Orphanet 110, MedGen C0752166, MONDO:0015229.

Submission:

Labcorp Genetics (formerly Invitae), Labcorp
Classification: Pathogenic for Bardet-Biedl syndrome. Last evaluated: 2021-10-08. Review status: criteria provided, single submitter. Criteria: Invitae Variant Classification Sherloc (09022015). Collection method: clinical testing. Allele origin: germline.
Comment: For these reasons, this variant has been classified as Pathogenic. This variant disrupts a region of the BBS12 protein in which other variant(s) (p.Asp687Valfs*3) have been determined to be pathogenic (Invitae). This suggests that this is a clinically significant region of the protein, and that variants that disrupt it are likely to be disease-causing. This variant has not been reported in the literature in individuals affected with BBS12-related conditions. This variant is not present in population databases (ExAC no frequency). This sequence change creates a premature translational stop signal (p.Asp362Glyfs*2) in the BBS12 gene. While this is not anticipated to result in nonsense mediated decay, it is expected to disrupt the last 349 amino acid(s) of the BBS12 protein.

NM_152618.3(BBS12):c.1082_1083insGGGT (p.Asp362fs)

Gene: BBS12 (Bardet-Biedl syndrome 12; plus strand). Cytogenetic location: 4q27.
Variant type: Insertion.
Coding change: c.1082_1083insGGGT on transcript NM_152618.3 (MANE Select); coding-DNA positions 1082 to 1083, GGGT inserted.
Protein change: p.Asp362fs; shifts the reading frame from aspartic acid 362.
Molecular consequence: frameshift variant.
Genome position: GRCh38 VCF-style: chr4-122742974-G-GGGGT. GRCh37 (hg19) VCF-style: chr4-123664129-G-GGGGT.
Other names: c.1082_1083insGGGT, p.Asp362fs (NM_001178007.2); short protein forms D362fs.
Identifiers: ClinVar variation 1400771 (VCV001400771.6), dbSNP rs2150736842, ClinGen allele CA2573138027.